The following is an entry in ClinVar:

NM_017654.4(SAMD9):c.4096G>C (p.Val1366Leu)

Gene: SAMD9 (sterile alpha motif domain containing 9; minus strand). Cytogenetic location: 7q21.2.
Variant type: single nucleotide variant.
Coding change: c.4096G>C on transcript NM_017654.4 (MANE Select); coding-DNA position 4096, G replaced by C.
Protein change: p.Val1366Leu; replaces valine 1366 with leucine.
Molecular consequence: missense variant.
Genome position (GRCh38, 1-based): chr7:93,102,002, C>G on the plus strand (G>C on the coding strand, the complement: SAMD9 is on the minus strand). VCF-style: chr7-93102002-C-G. GRCh37 (hg19) VCF-style: chr7-92731315-C-G.
Other names: c.4096G>C (NM_017654.3); c.4096G>C, p.Val1366Leu (NM_001193307.2); short protein forms V1366L.
Identifiers: ClinVar variation 2048886 (VCV002048886.5), dbSNP rs2535354032, ClinGen allele CA368180640.

ClinVar aggregate classification (germline): Uncertain significance. Review status: criteria provided, multiple submitters, no conflicts (2 of 4 stars). 2 submissions from 2 submitters: Uncertain significance (2). Last evaluated 2026-08-12.

Conditions:
Inborn genetic diseases. Identifiers: MedGen C0950123, MeSH D030342.

Submissions (2):

Ambry Genetics
Classification: Uncertain significance for Inborn genetic diseases. Last evaluated: 2026-08-12. Review status: criteria provided, single submitter. Criteria: Ambry Variant Classification Scheme 2023. Collection method: clinical testing. Allele origin: germline.
Comment: The p.V1366L variant (also known as c.4096G>C), located in coding exon 1 of the SAMD9 gene, results from a G to C substitution at nucleotide position 4096. The valine at codon 1366 is replaced by leucine, an amino acid with highly similar properties. This amino acid position is conserved. In addition, this alteration is predicted to be tolerated by in silico analysis. Based on the available evidence, the clinical significance of this variant remains unclear.

Labcorp Genetics (formerly Invitae), Labcorp
Classification: Uncertain significance. Last evaluated: 2021-12-19. Review status: criteria provided, single submitter. Criteria: Invitae Variant Classification Sherloc (09022015). Collection method: clinical testing. Allele origin: germline.
Comment: In summary, the available evidence is currently insufficient to determine the role of this variant in disease. Therefore, it has been classified as a Variant of Uncertain Significance. Algorithms developed to predict the effect of missense changes on protein structure and function (SIFT, PolyPhen-2, Align-GVGD) all suggest that this variant is likely to be tolerated. This variant has not been reported in the literature in individuals affected with SAMD9-related conditions. This variant is not present in population databases (gnomAD no frequency). This sequence change replaces valine, which is neutral and non-polar, with leucine, which is neutral and non-polar, at codon 1366 of the SAMD9 protein (p.Val1366Leu).